The following is an entry in ClinVar:

ClinVar aggregate classification (germline): Likely benign (1 of 4 stars; one submission).

Conditions:
VPS33B-related disorder. Also called: VPS33B-related condition.

gnomAD v4.1: 3 of 1,614,182 alleles (0.00019%); highest among the groups gnomAD compares: Non-Finnish European, 0.00025%; no homozygotes.

Submission:

PreventionGenetics, part of Exact Sciences
Classification: Likely benign for VPS33B-related condition. Last evaluated: 2025-06-04. Review status: criteria provided, single submitter. Criteria: ACMG Guidelines, 2015. Collection method: clinical testing. Allele origin: germline.
Comment: This variant is classified as likely benign based on ACMG/AMP sequence variant interpretation guidelines (Richards et al. 2015 PMID: 25741868, with internal and published modifications).

NM_018668.5(VPS33B):c.1356C>G (p.Leu452=)

Gene: VPS33B (VPS33B late endosome and lysosome associated; minus strand). Cytogenetic location: 15q26.1.
Variant type: single nucleotide variant.
Coding change: c.1356C>G on transcript NM_018668.5 (MANE Select); coding-DNA position 1356, C replaced by G.
Protein change: p.Leu452=; no amino-acid change (leucine 452 retained).
Molecular consequence: synonymous variant.
Genome position (GRCh38, 1-based): chr15:91,002,099, G>C on the plus strand (C>G on the coding strand, the complement: VPS33B is on the minus strand). VCF-style: chr15-91002099-G-C. GRCh37 (hg19) VCF-style: chr15-91545329-G-C.
Other names: c.1275C>G, p.Leu425= (NM_001289148.1); c.1083C>G, p.Leu361= (NM_001289149.1).
Identifiers: ClinVar variation 4983582 (VCV004983582.1).